The following is an entry in ClinVar:

ClinVar aggregate classification (germline): Benign/Likely benign. Review status: criteria provided, multiple submitters, no conflicts (2 of 4 stars). 10 submissions from 9 submitters: Benign (7); Likely benign (2). 1 of the submissions does not count toward it. Last evaluated 2026-01-31.

Conditions:
Cranioectodermal dysplasia 2 (CED2). Identifiers: Orphanet 1515, MedGen C3150874, MONDO:0013323, OMIM 613610.
WDR35-related disorder. Also called: WDR35-related condition; WDR35-related disorders. Identifiers: MedGen CN239419.
Short-rib thoracic dysplasia 7 with or without polydactyly (SRTD7). Also called: Short rib polydactyly syndrome 5; SHORT-RIB THORACIC DYSPLASIA 7 WITH POLYDACTYLY. Identifiers: Orphanet 498497, Orphanet 93271, MedGen C3279792, MONDO:0013569, OMIM 614091.

Allele frequency attached by ClinVar (database versions not stated): ESP Exome Variant Server 0.00023; gnomAD 0.00089; 1000 Genomes Project 0.00180; 1000 Genomes Project 30x 0.00265; TOPMed 0.00367.
gnomAD v4.1: 1,823 of 1,614,166 alleles (0.11%); highest among the groups gnomAD compares: Admixed American, 3%; 32 homozygotes.

Submissions (10):

Labcorp Genetics (formerly Invitae), Labcorp
Classification: Benign for Cranioectodermal dysplasia 2; Short-rib thoracic dysplasia 7 with or without polydactyly. Last evaluated: 2026-01-31. Review status: criteria provided, single submitter. Criteria: Invitae Variant Classification Sherloc (09022015). Collection method: clinical testing. Allele origin: germline.

Blueprint Genetics
Classification: Likely benign. Last evaluated: 2024-10-08. Review status: criteria provided, single submitter. Criteria: ACMG Guidelines, 2015. Collection method: clinical testing. Allele origin: germline.

ARUP Laboratories, Molecular Genetics and Genomics, ARUP Laboratories
Classification: Benign. Last evaluated: 2023-09-06. Review status: criteria provided, single submitter. Criteria: ARUP Molecular Germline Variant Investigation Process 2024. Collection method: clinical testing. Allele origin: germline.

Fulgent Genetics
Classification: Likely benign for Cranioectodermal dysplasia 2; Short-rib thoracic dysplasia 7 with or without polydactyly. Last evaluated: 2021-10-18. Review status: criteria provided, single submitter. Criteria: ACMG Guidelines, 2015. Collection method: clinical testing. Allele origin: unknown.

GeneDx
Classification: Benign. Last evaluated: 2018-08-27. Review status: criteria provided, single submitter. Criteria: GeneDx Variant Classification Process June 2021. Collection method: clinical testing. Allele origin: germline. Affected: yes.

Illumina Laboratory Services, Illumina
Classification: Benign for Short-rib thoracic dysplasia 7 with or without polydactyly. Last evaluated: 2018-01-13. Review status: criteria provided, single submitter. Criteria: ICSL Variant Classification Criteria 13 December 2019. Collection method: clinical testing. Allele origin: germline.
Comment: This variant was observed in the ICSL laboratory as part of a predisposition screen in an ostensibly healthy population. It had not been previously curated by ICSL or reported in the Human Gene Mutation Database (HGMD: prior to June 1st, 2018), and was therefore a candidate for classification through an automated scoring system. Utilizing variant allele frequency, disease prevalence and penetrance estimates, and inheritance mode, an automated score was calculated to assess if this variant is too frequent to cause the disease. Based on the score and internal cut-off values, a variant classified as benign is not then subjected to further curation. The score for this variant resulted in a classification of benign for this disease.

Illumina Laboratory Services, Illumina
Classification: Benign for Cranioectodermal dysplasia 2. Last evaluated: 2018-01-13. Review status: criteria provided, single submitter. Criteria: ICSL Variant Classification Criteria 13 December 2019. Collection method: clinical testing. Allele origin: germline.
Comment: the same text as in the submission from Illumina Laboratory Services, Illumina above.

Eurofins Ntd Llc (ga)
Classification: Benign. Last evaluated: 2015-05-11. Review status: criteria provided, single submitter. Criteria: EGL Classification Definitions 2015. Collection method: clinical testing. Allele origin: germline. Observed: 3 variant alleles, 2 heterozygotes, 1 homozygote.

Breakthrough Genomics
Classification: Benign. Review status: criteria provided, single submitter. Criteria: ACMG Guidelines, 2015. Collection method: not provided. Allele origin: germline. Inheritance: Autosomal recessive inheritance. Affected: yes.

PreventionGenetics, part of Exact Sciences
Classification: Benign for WDR35-related condition. Last evaluated: 2019-05-14. Review status: no assertion criteria provided. Collection method: clinical testing. Allele origin: germline. Not counted in ClinVar's aggregate classification.
Comment: This variant is classified as benign based on ACMG/AMP sequence variant interpretation guidelines (Richards et al. 2015 PMID: 25741868, with internal and published modifications).

NM_020779.4(WDR35):c.2149A>G (p.Ile717Val)

Gene: WDR35 (WD repeat domain 35; minus strand). Cytogenetic location: 2p24.1.
Variant type: single nucleotide variant.
Coding change: c.2149A>G on transcript NM_020779.4 (MANE Select); coding-DNA position 2149, A replaced by G.
Protein change: p.Ile717Val; replaces isoleucine 717 with valine.
Molecular consequence: missense variant.
Genome position (GRCh38, 1-based): chr2:19,937,861, T>C on the plus strand (A>G on the coding strand, the complement: WDR35 is on the minus strand). VCF-style: chr2-19937861-T-C. GRCh37 (hg19) VCF-style: chr2-20137622-T-C.
Other names: c.2182A>G, p.Ile728Val (NM_001006657.2); short protein forms I728V, I717V.
Identifiers: ClinVar variation 195468 (VCV000195468.33), dbSNP rs144493712, ClinGen allele CA201768.
Genomic context (GRCh38, chr2:19,937,861, plus strand): 5'-CAACTTCAGCCTGTTTCATTGACTCACTCAGTAGTTTGCCCAAGCGCTTCACAAACTTAA[T>C]GCCTTGGTAATCTTTGCAGCGCACAAATGCTTGCTCTGCAGTGTATAGATCCAGTTTCTG-3'
Protein context (NP_065830.2, residues 707-727): AFVRCKDYQG[Ile717Val]KFVKRLGKLL